The following is an entry in ClinVar:

NC_000011.9:g.(?_47360065)_(47360236_?)dup

Gene: MYBPC3 (myosin binding protein C3; minus strand). Cytogenetic location: 11p11.2.
Variant type: Duplication.
Identifiers: ClinVar variation 1039712 (VCV001039712.8).

ClinVar aggregate classification (germline): Uncertain significance (1 of 4 stars; one submission).

Conditions:
Hypertrophic cardiomyopathy. Also called: HYPERTROPHIC MYOCARDIOPATHY. Identifiers: Orphanet 217569, MedGen C0007194, MeSH D002312, MONDO:0005045, HP:0001639.

Submission:

Labcorp Genetics (formerly Invitae), Labcorp
Classification: Uncertain significance for Hypertrophic cardiomyopathy. Last evaluated: 2017-06-06. Review status: criteria provided, single submitter. Criteria: Invitae Variant Classification Sherloc (09022015). Collection method: clinical testing. Allele origin: germline.
Comment: In summary, this is a novel, deep-intronic insertion of the 3' region of exon 23 which has an uncertain effect on splicing of the MYBPC3 mRNA. For these reasons, it has been classified as a Variant of Uncertain Significance. Algorithms developed to predict the effect of sequence changes on mRNA splicing suggest that this variant may alter mRNA splicing, but this prediction has not been confirmed by published transcriptional studies. This variant is not present in population databases (ExAC no frequency) and has not been reported in the literature in individuals with a MYBPC3-related disease. This sequence change is an insertion in intron 17 of 236 nucleotides of the MYBPC3 mRNA (c.1624+206_1624+207ins236), The inserted nucleotides are identical to the area surrounding the coding 3' region of exon 23, and the first 101 nucleotides of intron 23 of MYBPC3 (c.2174_2308+101).